The following is an entry in ClinVar:

ClinVar aggregate classification (germline): Uncertain significance (1 of 4 stars; one submission).

Conditions:
Primary ciliary dyskinesia. Also called: Ciliary dyskinesia. Identifiers: Orphanet 244, MedGen C0008780, MONDO:0016575, HP:0012265.

Submission:

Labcorp Genetics (formerly Invitae), Labcorp
Classification: Uncertain significance for Primary ciliary dyskinesia. Last evaluated: 2022-08-16. Review status: criteria provided, single submitter. Criteria: Invitae Variant Classification Sherloc (09022015). Collection method: clinical testing. Allele origin: germline.
Comment: In summary, the available evidence is currently insufficient to determine the role of this variant in disease. Therefore, it has been classified as a Variant of Uncertain Significance. Algorithms developed to predict the effect of missense changes on protein structure and function are either unavailable or do not agree on the potential impact of this missense change (SIFT: "Deleterious"; PolyPhen-2: "Possibly Damaging"; Align-GVGD: "Class C0"). ClinVar contains an entry for this variant (Variation ID: 566321). This variant has not been reported in the literature in individuals affected with DNAAF3-related conditions. This variant is not present in population databases (gnomAD no frequency). This sequence change replaces proline, which is neutral and non-polar, with arginine, which is basic and polar, at codon 542 of the DNAAF3 protein (p.Pro542Arg).

NM_001256715.2(DNAAF3):c.1424C>G (p.Pro475Arg)

Gene: DNAAF3 (dynein axonemal assembly factor 3; minus strand). Cytogenetic location: 19q13.42.
Variant type: single nucleotide variant.
Coding change: c.1424C>G on transcript NM_001256715.2 (MANE Select); coding-DNA position 1424, C replaced by G.
Protein change: p.Pro475Arg; replaces proline 475 with arginine.
Molecular consequence: missense variant.
Genome position (GRCh38, 1-based): chr19:55,159,264, G>C on the plus strand (C>G on the coding strand, the complement: DNAAF3 is on the minus strand). VCF-style: chr19-55159264-G-C. GRCh37 (hg19) VCF-style: chr19-55670632-G-C.
Other names: c.1262C>G, p.Pro421Arg (NM_001256716.2); c.1565C>G, p.Pro522Arg (NM_178837.4); c.1625C>G, p.Pro542Arg (NM_001256714.1); short protein forms P522R, P542R, P421R, P475R.
Identifiers: ClinVar variation 566321 (VCV000566321.7), dbSNP rs1568861889, ClinGen allele CA407445996.
Genomic context (GRCh38, chr19:55,159,264, plus strand): 5'-TGGGTCAGGCCCTCAAGGGCTGGGTTGCTGGCTTCAAGAGGCTGGGCCAGGATGTCAAGG[G>C]GCGGAGTTCCGGGTTCCACAGCTGGGACAGTGTTGCCCAGAGCTGATTCCTGGGACTTGC-3'
Protein context (NP_001243644.1, residues 465-485): TVPAVEPGTP[Pro475Arg]LDILAQPLEA